The following is an entry in ClinVar:

ClinVar aggregate classification (germline): Uncertain significance. Review status: criteria provided, multiple submitters, no conflicts (2 of 4 stars). 2 submissions from 2 submitters: Uncertain significance (2). Last evaluated 2025-12-12.

Conditions:
Cardiovascular phenotype. Identifiers: MedGen CN230736.
Charcot-Marie-Tooth disease type 2. Also called: Charcot-Marie-Tooth type 2. Identifiers: Orphanet 64746, MedGen C0270914, MONDO:0018993.

Allele frequency attached by ClinVar (database versions not stated): gnomAD exomes below 0.00001.
gnomAD v4.1: 4 of 1,614,072 alleles (0.00025%); highest among the groups gnomAD compares: African/African-American, 0.0013%; no homozygotes.

Submissions (2):

Ambry Genetics
Classification: Uncertain significance for Cardiovascular phenotype. Last evaluated: 2025-12-12. Review status: criteria provided, single submitter. Criteria: Ambry Variant Classification Scheme 2023. Collection method: clinical testing. Allele origin: germline.
Comment: The p.M371V variant (also known as c.1111A>G), located in coding exon 6 of the LMNA gene, results from an A to G substitution at nucleotide position 1111. The methionine at codon 371 is replaced by valine, an amino acid with highly similar properties. This amino acid position is highly conserved in available vertebrate species. In addition, this alteration is predicted to be deleterious by in silico analysis. Based on the available evidence, the clinical significance of this variant remains unclear.

Labcorp Genetics (formerly Invitae), Labcorp
Classification: Uncertain significance for Charcot-Marie-Tooth disease type 2. Last evaluated: 2024-12-22. Review status: criteria provided, single submitter. Criteria: Invitae Variant Classification Sherloc (09022015). Collection method: clinical testing. Allele origin: germline.
Comment: This sequence change replaces methionine, which is neutral and non-polar, with valine, which is neutral and non-polar, at codon 371 of the LMNA protein (p.Met371Val). This variant is present in population databases (no rsID available, gnomAD 0.0009%). This variant has not been reported in the literature in individuals affected with LMNA-related conditions. ClinVar contains an entry for this variant (Variation ID: 580414). Invitae Evidence Modeling of protein sequence and biophysical properties (such as structural, functional, and spatial information, amino acid conservation, physicochemical variation, residue mobility, and thermodynamic stability) indicates that this missense variant is expected to disrupt LMNA protein function with a positive predictive value of 95%. In summary, the available evidence is currently insufficient to determine the role of this variant in disease. Therefore, it has been classified as a Variant of Uncertain Significance.

NM_170707.4(LMNA):c.1111A>G (p.Met371Val)

Gene: LMNA (lamin A/C; plus strand). Cytogenetic location: 1q22.
Variant type: single nucleotide variant.
Coding change: c.1111A>G on transcript NM_170707.4 (MANE Select); coding-DNA position 1111, A replaced by G.
Protein change: p.Met371Val; replaces methionine 371 with valine.
Molecular consequence: missense variant.
Genome position (GRCh38, 1-based): chr1:156,136,075, A>G. VCF-style: chr1-156136075-A-G. GRCh37 (hg19) VCF-style: chr1-156105866-A-G.
Other names: c.775A>G, p.Met259Val (NM_001257374.3); c.868A>G, p.Met290Val (NM_001282624.2); c.1111A>G, p.Met371Val (NM_001282625.2, NM_001282626.2, NM_005572.4 and 1 more transcripts); c.1111A>G (NM_170707.2); short protein forms M371V, M259V, M290V.
Identifiers: ClinVar variation 580414 (VCV000580414.9), dbSNP rs1270221130, ClinGen allele CA342820474.